The following is an entry in ClinVar:

ClinVar aggregate classification (germline): Uncertain significance (1 of 4 stars; one submission).

Conditions:
Charcot-Marie-Tooth Neuropathy X. Identifiers: MedGen CN118851.
Combined oxidative phosphorylation deficiency. Identifiers: MedGen C4540031, MONDO:0000732.

Submission:

Labcorp Genetics (formerly Invitae), Labcorp
Classification: Uncertain significance for Charcot-Marie-Tooth Neuropathy X; Combined oxidative phosphorylation deficiency. Last evaluated: 2019-07-22. Review status: criteria provided, single submitter. Criteria: Invitae Variant Classification Sherloc (09022015). Collection method: clinical testing. Allele origin: germline.
Comment: Algorithms developed to predict the effect of missense changes on protein structure and function output the following: SIFT: "Deleterious"; PolyPhen-2: "Benign"; Align-GVGD: "Class C0". The serine amino acid residue is found in multiple mammalian species, suggesting that this missense change does not adversely affect protein function. These predictions have not been confirmed by published functional studies and their clinical significance is uncertain. In summary, the available evidence is currently insufficient to determine the role of this variant in disease. Therefore, it has been classified as a Variant of Uncertain Significance. This variant has not been reported in the literature in individuals with AIFM1-related conditions. This variant is not present in population databases (ExAC no frequency). This sequence change replaces proline with serine at codon 554 of the AIFM1 protein (p.Pro554Ser). The proline residue is moderately conserved and there is a moderate physicochemical difference between proline and serine.

NM_004208.4(AIFM1):c.1660C>T (p.Pro554Ser)

Genes: AIFM1 (apoptosis inducing factor mitochondria associated 1; minus strand), RAB33A (RAB33A, member RAS oncogene family; plus strand). Cytogenetic location: Xq26.1.
Variant type: single nucleotide variant.
Coding change: c.1660C>T on transcript NM_004208.4 (MANE Select); coding-DNA position 1660, C replaced by T.
Protein change: p.Pro554Ser; replaces proline 554 with serine.
Molecular consequence: missense variant. On other transcripts: 3 prime UTR variant (1), non-coding transcript variant (1).
Genome position (GRCh38, 1-based): chrX:130,130,080, G>A on the plus strand (C>T on the coding strand, the complement: AIFM1 is on the minus strand). VCF-style: chrX-130130080-G-A. GRCh37 (hg19) VCF-style: chrX-129264055-G-A.
Other names: c.643C>T, p.Pro215Ser (NM_001130846.4); c.*888C>T (NM_001130847.4); c.1648C>T, p.Pro550Ser (NM_145812.3); short protein forms P550S, P215S, P554S.
Identifiers: ClinVar variation 960650 (VCV000960650.9), dbSNP rs2029999918, ClinGen allele CA414568728.